The following is an entry in ClinVar:

NM_001347721.2(DYRK1A):c.847A>G (p.Asn283Asp)

Gene: DYRK1A (dual specificity tyrosine phosphorylation regulated kinase 1A; plus strand). Cytogenetic location: 21q22.13.
Variant type: single nucleotide variant.
Coding change: c.847A>G on transcript NM_001347721.2 (MANE Select); coding-DNA position 847, A replaced by G.
Protein change: p.Asn283Asp; replaces asparagine 283 with aspartic acid.
Molecular consequence: missense variant.
Genome position (GRCh38, 1-based): chr21:37,490,384, A>G. VCF-style: chr21-37490384-A-G. GRCh37 (hg19) VCF-style: chr21-38862686-A-G.
Other names: c.847A>G, p.Asn283Asp (NM_001347722.2, NM_130436.2); c.760A>G, p.Asn254Asp (NM_001347723.2); c.874A>G, p.Asn292Asp (NM_001396.5, NM_101395.2, NM_130438.2); c.874A>G (NM_001396.4); short protein forms N254D, N283D, N292D.
Identifiers: ClinVar variation 3777204 (VCV003777204.2).
Genomic context (GRCh38, chr21:37,490,384, plus strand): 5'-GCACTGCTTTTCCTTGCGACTCCAGAACTTAGTATCATTCACTGTGATCTAAAACCTGAA[A>G]ATATCCTTCTTTGTAACCCCAAACGCAGTGCAATCAAGATAGTTGACTTTGGCAGTTCTT-3'
Protein context (NP_001334650.1, residues 273-293): SIIHCDLKPE[Asn283Asp]ILLCNPKRSA

ClinVar aggregate classification (germline): Conflicting classifications of pathogenicity. Review status: criteria provided, conflicting classifications (1 of 4 stars). 2 submissions from 2 submitters: Likely pathogenic (1); Uncertain significance (1). Last evaluated 2023-03-21.

Conditions:
DYRK1A-related disorder.
DYRK1A-related intellectual disability syndrome (MRD7). Also called: Intellectual developmental disorder, autosomal dominant 7; DYRK1A Syndrome. Identifiers: Orphanet 464306, MedGen C5568143, MONDO:0013578, OMIM 614104.

Submissions (2):

University of Washington Department of Laboratory Medicine, University of Washington
Classification: Uncertain significance for DYRK1A-related intellectual disability syndrome. Last evaluated: 2023-03-21. Review status: criteria provided, single submitter. Criteria: ACMG Guidelines, 2015. Collection method: clinical testing. Allele origin: de novo. Affected: yes.
Comment: This variant was absent from large population databases, including the Genome Aggregation Database. The p.Asn292Asp variant is located in the kinase domain of the DYRK1A protein. Other pathogenic and likely pathogenic variants have been described in this domain which disrupt the function of DYRKA1 by reducing protein level or affecting autophosphorylation activity (Courraud 2021). In silico tools predict that this variant is deleterious; however, these predictions have not been tested directly. Using ACMG guidelines, this variant was classified as a variant of uncertain significance (ACMG evidence codes used: PM1, PS2_supporting, PM2_supporting, PP3).

Blueprint Genetics
Classification: Likely pathogenic for DYRK1A-related disorders. Last evaluated: 2020-01-23. Review status: criteria provided, single submitter. Criteria: ACMG Guidelines, 2015. Collection method: clinical testing. Allele origin: de novo. Affected: yes. Observed: 1 variant allele.